The following is an entry in ClinVar:

ClinVar aggregate classification (germline): Pathogenic. Review status: criteria provided, multiple submitters, no conflicts (2 of 4 stars). 3 submissions from 3 submitters: Pathogenic (2). 1 of the submissions does not count toward it. Last evaluated 2024-05-20.

Conditions:
Hereditary cancer-predisposing syndrome. Also called: Tumor predisposition; Hereditary neoplastic syndrome; Neoplastic Syndromes, Hereditary; Hereditary Cancer Syndrome. Identifiers: Orphanet 140162, MedGen C0027672, MeSH D009386, MONDO:0015356.
Retinoblastoma (RB1). Also called: RETINOBLASTOMA, SOMATIC. Identifiers: Orphanet 790, MedGen C0035335, MeSH D012175, MONDO:0008380, OMIM 180200, HP:0009919. Disease mechanism: loss of function. Inheritance: Both sporadic and heritable forms are tested..

Submissions (3):

Genetic Diagnostic Laboratory, University of Pennsylvania School of Medicine
Classification: Pathogenic for Retinoblastoma. Last evaluated: 2024-05-20. Review status: criteria provided, single submitter. Criteria: ACMG Guidelines, 2015. Collection method: clinical testing. Allele origin: germline. Affected: yes. Observed: 2 variant alleles.
Comment: Case and Pedigree Information: BILATERAL CASES:1, UNILATERAL CASES:1, TOTAL CASES:2, PEDIGREES:2. ACMG Codes Applied:PVS1, PM2

Ambry Genetics
Classification: Pathogenic for Hereditary cancer-predisposing syndrome. Last evaluated: 2022-01-06. Review status: criteria provided, single submitter. Criteria: Ambry Variant Classification Scheme 2023. Collection method: clinical testing. Allele origin: germline.
Comment: The c.2520+1delG intronic pathogenic mutation, located in intron 24 of the RB1 gene, results from a deletion of one nucleotide within intron 24 of the RB1 gene. This alteration has been observed in at least one individual with a personal and/or family history that is consistent with RB1-related disease (Ambry internal data). This variant is considered to be rare based on population cohorts in the Genome Aggregation Database (gnomAD). This nucleotide position is highly conserved in available vertebrate species. In silico splice site analysis predicts that this alteration will weaken the native splice donor site and will result in the creation or strengthening of a novel splice donor site. Alterations that disrupt the canonical splice site are expected to cause aberrant splicing, resulting in an abnormal protein or a transcript that is subject to nonsense-mediated mRNA decay. As such, this alteration is classified as a disease-causing mutation.

OMIM
Classification: Pathogenic for RETINOBLASTOMA, SOMATIC. Last evaluated: 1989-12-21. Review status: no assertion criteria provided. Collection method: literature only. Allele origin: somatic. Not counted in ClinVar's aggregate classification.

Literature cited by the submitters: PubMed 2594029 (cited by OMIM).

NM_000321.3(RB1):c.2520+1del

Gene: RB1 (RB transcriptional corepressor 1; plus strand). Cytogenetic location: 13q14.2.
Variant type: Deletion.
Coding change: c.2520+1del on transcript NM_000321.3 (MANE Select); the canonical splice donor site of the intron after coding-DNA position 2520, one base deleted (G; older notation c.2520+1delG).
Molecular consequence: splice donor variant.
Genome position (GRCh38, 1-based): chr13:48,473,391, G deleted; the last of 4 consecutive G bases (chr13:48,473,388-48,473,391); deleting any one gives the same sequence. VCF-style (leftmost placement, unchanged base first): chr13-48473387-CG-C. GRCh37 (hg19) VCF-style: chr13-49047523-CG-C.
Other names: c.2520+1del (NM_001407165.1).
Identifiers: ClinVar variation 13069 (VCV000013069.4), dbSNP rs587776779, ClinGen allele CA256698.